The following is an entry in ClinVar:

NM_198859.4(PRICKLE2):c.2219C>T (p.Ser740Phe)

Genes: PRICKLE2 (prickle planar cell polarity protein 2; minus strand), PRICKLE2-AS1 (PRICKLE2 antisense RNA 1; plus strand). Cytogenetic location: 3p14.1.
Variant type: single nucleotide variant.
Coding change: c.2219C>T on transcript NM_198859.4 (MANE Select); coding-DNA position 2219, C replaced by T.
Protein change: p.Ser740Phe; replaces serine 740 with phenylalanine.
Molecular consequence: missense variant. On other transcripts: non-coding transcript variant (1).
Genome position (GRCh38, 1-based): chr3:64,099,367, G>A on the plus strand (C>T on the coding strand, the complement: PRICKLE2 is on the minus strand). VCF-style: chr3-64099367-G-A. GRCh37 (hg19) VCF-style: chr3-64085043-G-A.
Other names: c.2219C>T, p.Ser740Phe (NM_001370528.1); short protein forms S740F.
Identifiers: ClinVar variation 198930 (VCV000198930.15), dbSNP rs760799226, ClinGen allele CA247839.

ClinVar aggregate classification (germline): Uncertain significance. Review status: criteria provided, multiple submitters, no conflicts (2 of 4 stars). 4 submissions from 4 submitters: Uncertain significance (4). Last evaluated 2025-01-19.

Conditions:
Progressive myoclonic epilepsy type 5. Identifiers: Orphanet 402082, MedGen C5190799.

Allele frequency attached by ClinVar (database versions not stated): TOPMed 0.00002; gnomAD 0.00004.
gnomAD v4.1: 11 of 1,612,124 alleles (0.00068%); highest among the groups gnomAD compares: Admixed American, 0.017%; no homozygotes.

Submissions (4):

Labcorp Genetics (formerly Invitae), Labcorp
Classification: Uncertain significance for Progressive myoclonic epilepsy type 5. Last evaluated: 2025-01-19. Review status: criteria provided, single submitter. Criteria: Invitae Variant Classification Sherloc (09022015). Collection method: clinical testing. Allele origin: germline.
Comment: This sequence change replaces serine, which is neutral and polar, with phenylalanine, which is neutral and non-polar, at codon 740 of the PRICKLE2 protein (p.Ser740Phe). This variant is present in population databases (no rsID available, gnomAD 0.009%). This variant has not been reported in the literature in individuals affected with PRICKLE2-related conditions. ClinVar contains an entry for this variant (Variation ID: 198930). Invitae Evidence Modeling of protein sequence and biophysical properties (such as structural, functional, and spatial information, amino acid conservation, physicochemical variation, residue mobility, and thermodynamic stability) indicates that this missense variant is not expected to disrupt PRICKLE2 protein function with a negative predictive value of 80%. In summary, the available evidence is currently insufficient to determine the role of this variant in disease. Therefore, it has been classified as a Variant of Uncertain Significance.

Ambry Genetics
Classification: Uncertain significance. Last evaluated: 2024-06-25. Review status: criteria provided, single submitter. Criteria: Ambry Variant Classification Scheme 2023. Collection method: clinical testing. Allele origin: germline.

Athena Diagnostics
Classification: Uncertain significance. Last evaluated: 2022-09-09. Review status: criteria provided, single submitter. Criteria: Athena Diagnostics Criteria. Collection method: clinical testing. Allele origin: unknown.

Eurofins Ntd Llc (ga)
Classification: Uncertain significance. Last evaluated: 2014-08-14. Review status: criteria provided, single submitter. Criteria: EGL Classification Definitions 2015. Collection method: clinical testing. Allele origin: germline. Observed: 1 variant allele, 1 heterozygote.